The following is an entry in ClinVar:

NM_003742.4(ABCB11):c.3400C>T (p.Gln1134Ter)

Gene: ABCB11 (ATP binding cassette subfamily B member 11; minus strand). Cytogenetic location: 2q31.1.
Variant type: single nucleotide variant.
Coding change: c.3400C>T on transcript NM_003742.4 (MANE Select); coding-DNA position 3400, C replaced by T.
Protein change: p.Gln1134Ter; replaces glutamine 1134 with a stop codon.
Molecular consequence: nonsense.
Genome position (GRCh38, 1-based): chr2:168,930,676, G>A on the plus strand (C>T on the coding strand, the complement: ABCB11 is on the minus strand). VCF-style: chr2-168930676-G-A. GRCh37 (hg19) VCF-style: chr2-169787186-G-A.
Other names: c.3400C>T (NM_003742.2); short protein forms Q1134*.
Identifiers: ClinVar variation 1687463 (VCV001687463.6), dbSNP rs2105888359, ClinGen allele CA349120871.
Genomic context (GRCh38, chr2:168,930,676, plus strand): 5'-GGAAATACTCTGCAGAAGGCAAAATTCTCAAAAAGGTTGCGTGGCTTACCACCTTCCCTT[G>A]ATCAGGATCATAGAAACGTTCCAACAGCTGAATGCTAGTGCTTTTGCCACATCCACTGCT-3'

ClinVar aggregate classification (germline): Pathogenic/Likely pathogenic. Review status: criteria provided, multiple submitters, no conflicts (2 of 4 stars). 4 submissions from 4 submitters: Pathogenic (3); Likely pathogenic (1). Last evaluated 2026-04-14.

Conditions:
Progressive familial intrahepatic cholestasis type 2. Identifiers: Orphanet 79304, MedGen C3489789, MONDO:0011156, OMIM 601847.
ABCB11-related disorder. Also called: ABCB11-related condition.
Familial intrahepatic cholestasis. Identifiers: Orphanet 284385, MedGen CN296401, MONDO:0017290.

Submissions (4):

Genomenon, Inc
Classification: Pathogenic for Familial intrahepatic cholestasis. Last evaluated: 2026-04-14. Review status: criteria provided, single submitter. Criteria: Genomenon Sequence Variant Interpretation Standards - Updated. Collection method: curation. Allele origin: germline. Affected: yes.
Comment: ABCB11 p.Gln1134Ter (c.3400C>T) is a nonsense variant that introduces a premature stop codon at amino acid position 1134, creating a truncated protein that is predicted to undergo nonsense-mediated mRNA decay. This variant has been observed in at least one proband with an ABCB11-related disorder (PMID:41165782;32087350). It is absent or not present at a significant frequency in gnomAD. In conclusion, we classify ABCB11 p.Gln1134Ter (c.3400C>T) as a pathogenic variant.

PreventionGenetics, part of Exact Sciences
Classification: Likely pathogenic for ABCB11-related condition. Last evaluated: 2026-02-09. Review status: criteria provided, single submitter. Criteria: ACMG Guidelines, 2015. Collection method: clinical testing. Allele origin: germline.
Comment: The ABCB11 c.3400C>T variant is predicted to result in premature protein termination (p.Gln1134*). To our knowledge, this variant has not been reported in the literature or in a large population database (gnomAD), indicating this variant is rare. Nonsense variants in ABCB11 are expected to be pathogenic. This variant is interpreted as likely pathogenic.

Labcorp Genetics (formerly Invitae), Labcorp
Classification: Pathogenic. Last evaluated: 2023-02-13. Review status: criteria provided, single submitter. Criteria: Invitae Variant Classification Sherloc (09022015). Collection method: clinical testing. Allele origin: germline.
Comment: Algorithms developed to predict the effect of sequence changes on RNA splicing suggest that this variant may disrupt the consensus splice site. For these reasons, this variant has been classified as Pathogenic. ClinVar contains an entry for this variant (Variation ID: 1687463). This variant has not been reported in the literature in individuals affected with ABCB11-related conditions. This variant is not present in population databases (gnomAD no frequency). This sequence change creates a premature translational stop signal (p.Gln1134*) in the ABCB11 gene. It is expected to result in an absent or disrupted protein product. Loss-of-function variants in ABCB11 are known to be pathogenic (PMID: 18395098, 20232290).

3billion
Classification: Pathogenic for Progressive familial intrahepatic cholestasis type 2. Last evaluated: 2022-05-22. Review status: criteria provided, single submitter. Criteria: ACMG Guidelines, 2015. Collection method: clinical testing. Allele origin: germline. Affected: yes. Observed: 1 homozygote.
Comment: The variant is not observed in the gnomAD v2.1.1 dataset. Stop-gained (nonsense): predicted to result in a loss or disruption of normal protein function through nonsense-mediated decay (NMD) or protein truncation. Multiple pathogenic variants are reported downstream of the variant. Therefore, this variant is classified as pathogenic according to the recommendation of ACMG/AMP guideline.

Literature cited by the submitters: PubMed 41165782 (cited by Genomenon, Inc); PubMed 32087350 (cited by Genomenon, Inc); PubMed 18395098 (cited by Labcorp Genetics (formerly Invitae), Labcorp); PubMed 20232290 (cited by Labcorp Genetics (formerly Invitae), Labcorp).